The following is an entry in ClinVar:

ClinVar aggregate classification (germline): Uncertain significance (1 of 4 stars; one submission).

Conditions:
Hereditary cancer-predisposing syndrome. Also called: Neoplastic Syndromes, Hereditary; Tumor predisposition; Hereditary Cancer Syndrome; Hereditary neoplastic syndrome. Identifiers: Orphanet 140162, MedGen C0027672, MeSH D009386, MONDO:0015356.

Submission:

Ambry Genetics
Classification: Uncertain significance for Hereditary cancer-predisposing syndrome. Last evaluated: 2025-10-20. Review status: criteria provided, single submitter. Criteria: Ambry Variant Classification Scheme 2023. Collection method: clinical testing. Allele origin: germline.
Comment: The p.D262Y variant (also known as c.784G>T), located in coding exon 6 of the DICER1 gene, results from a G to T substitution at nucleotide position 784. The aspartic acid at codon 262 is replaced by tyrosine, an amino acid with highly dissimilar properties. This amino acid position is highly conserved in available vertebrate species. In addition, this alteration is predicted to be deleterious by in silico analysis. Based on the available evidence, the clinical significance of this variant remains unclear.

NM_177438.3(DICER1):c.784G>T (p.Asp262Tyr)

Gene: DICER1 (dicer 1, ribonuclease III; minus strand). Cytogenetic location: 14q32.13.
Variant type: single nucleotide variant.
Coding change: c.784G>T on transcript NM_177438.3 (MANE Select); coding-DNA position 784, G replaced by T.
Protein change: p.Asp262Tyr; replaces aspartic acid 262 with tyrosine.
Molecular consequence: missense variant. On other transcripts: 5 prime UTR variant (1), non-coding transcript variant (6).
Genome position (GRCh38, 1-based): chr14:95,126,699, C>A on the plus strand (G>T on the coding strand, the complement: DICER1 is on the minus strand). VCF-style: chr14-95126699-C-A. GRCh37 (hg19) VCF-style: chr14-95593036-C-A.
Other names: c.784G>T, p.Asp262Tyr (NM_001195573.1, NM_001271282.3, NM_001291628.2 and 15 more transcripts); c.502G>T, p.Asp168Tyr (NM_001395686.1); c.379G>T, p.Asp127Tyr (NM_001395687.1, NM_001395688.1, NM_001395689.1 and 3 more transcripts); c.217G>T, p.Asp73Tyr (NM_001395691.1); c.-785G>T (NM_001395697.1); short protein forms D127Y, D262Y, D168Y, D73Y.
Identifiers: ClinVar variation 1760891 (VCV001760891.3), dbSNP rs2543230841, ClinGen allele CA390887790.